The following is an entry in ClinVar:

ClinVar aggregate classification (germline): Pathogenic. Review status: reviewed by expert panel (3 of 4 stars). 10 submissions from 10 submitters: Pathogenic (1). 9 of the submissions do not count toward it. Last evaluated 2017-12-15.

Conditions:
Pancreatic cancer, susceptibility to, 2. Identifiers: Orphanet 1333, MedGen C3150546, MONDO:0013235, OMIM 613347.
Glioma susceptibility 3 (GLM3). Also called: Glioblastoma 3. Identifiers: Orphanet 182067, Orphanet 360, MedGen C2751641, MONDO:0013093, OMIM 613029.
Familial prostate cancer. Also called: Hereditary Prostate Cancer. Identifiers: MedGen C2931456, MONDO:0700275, OMIM 176807.
Breast-ovarian cancer, familial, susceptibility to, 2 (BROVCA2). Also called: BRCA2 Hereditary Breast and Ovarian Cancer. Identifiers: Orphanet 145, MedGen C2675520, MONDO:0012933, OMIM 612555. Disease mechanism: loss of function.
Fanconi anemia complementation group D1. Also called: BRCA2-Related Fanconi Anemia. Identifiers: Orphanet 319462, MedGen C1838457, MONDO:0011584, OMIM 605724.
Medulloblastoma (MDB). Also called: Medulloblastoma, somatic; MEDULLOBLASTOMA PREDISPOSITION SYNDROME. Identifiers: Orphanet 616, MedGen C0025149, MeSH D008527, MONDO:0007959, OMIM 155255, HP:0002885.
Wilms tumor 1 (WT1). Also called: Wilms tumor, somatic. Identifiers: Orphanet 654, MedGen CN033288, MONDO:0008679, OMIM 194070.
Familial cancer of breast. Also called: BREAST CANCER, FAMILIAL; hereditary breast carcinoma; Hereditary breast cancer. Identifiers: Orphanet 227535, MedGen C0346153, MONDO:0016419, OMIM 114480. Disease mechanism: loss of function.
Hereditary cancer-predisposing syndrome. Also called: Neoplastic Syndromes, Hereditary; Tumor predisposition; Hereditary Cancer Syndrome; Hereditary neoplastic syndrome. Identifiers: Orphanet 140162, MedGen C0027672, MeSH D009386, MONDO:0015356.
Hereditary breast ovarian cancer syndrome. Also called: Breast and ovarian cancer; Hereditary breast and ovarian cancer; Hereditary breast and ovarian cancer syndrome (HBOC); Hereditary breast and ovarian cancer syndrome; BRCA1- and BRCA2-Associated Hereditary Breast and Ovarian Cancer; Hereditary breast and/or ovarian cancer syndrome. Identifiers: Orphanet 145, MedGen C0677776, MeSH D061325, MONDO:0003582. Disease mechanism: loss of function.

Submissions (10):

Evidence-based Network for the Interpretation of Germline Mutant Alleles (ENIGMA)
Classification: Pathogenic for Breast-ovarian cancer, familial, susceptibility to, 2. Last evaluated: 2017-12-15. Review status: reviewed by expert panel. Criteria: ENIGMA BRCA1/2 Classification Criteria (2017-06-29). Collection method: curation. Allele origin: germline. Study: ENIGMA.
Comment: Variant allele predicted to encode a truncated non-functional protein.

GeneDx
Classification: Pathogenic. Last evaluated: 2024-10-23. Review status: criteria provided, single submitter. Criteria: GeneDx Variant Classification Process June 2021. Collection method: clinical testing. Allele origin: germline. Affected: yes. Not counted in ClinVar's aggregate classification.
Comment: Frameshift variant predicted to result in protein truncation or nonsense mediated decay in a gene for which loss of function is a known mechanism of disease; Not observed at significant frequency in large population cohorts (gnomAD); Truncating variants in this gene are considered pathogenic by a well-established clinical consortium and/or database; Also known as 4692_4693delCA; This variant is associated with the following publications: (PMID: 32073954, 37310942, 29176636, 34755017, 21709188, 31214711)

Labcorp Genetics (formerly Invitae), Labcorp
Classification: Pathogenic for Hereditary breast ovarian cancer syndrome. Last evaluated: 2024-09-18. Review status: criteria provided, single submitter. Criteria: Invitae Variant Classification Sherloc (09022015). Collection method: clinical testing. Allele origin: germline. Not counted in ClinVar's aggregate classification.
Comment: This sequence change creates a premature translational stop signal (p.His1488Glnfs*25) in the BRCA2 gene. It is expected to result in an absent or disrupted protein product. Loss-of-function variants in BRCA2 are known to be pathogenic (PMID: 20104584). This variant is not present in population databases (gnomAD no frequency). This premature translational stop signal has been observed in individual(s) with ovarian cancer (PMID: 21709188). This variant is also known as 4689delAC and 4691delAC. ClinVar contains an entry for this variant (Variation ID: 51651). For these reasons, this variant has been classified as Pathogenic.

Quest Diagnostics Nichols Institute San Juan Capistrano
Classification: Pathogenic. Last evaluated: 2024-09-12. Review status: criteria provided, single submitter. Criteria: Quest Diagnostics criteria. Collection method: clinical testing. Allele origin: unknown. Not counted in ClinVar's aggregate classification.
Comment: The BRCA2 c.4464_4465del (p.His1488Glnfs*25) variant (also known as 4689delAC and 4692delCA) alters the translational reading frame of the BRCA2 mRNA and causes the premature termination of BRCA2 protein synthesis. This variant has been reported in the published literature in individuals affected with breast and/or ovarian cancer (PMIDs: 21709188 (2011), 29176636 (2018)), prostate cancer (PMIDs: 31214711 (2020), 32073954 (2020)), and pancreatic cancer (PMID: 34755017 (2021)). This variant has not been reported in large, multi-ethnic general populations (Genome Aggregation Database). Based on the available information, this variant is classified as pathogenic.

Fulgent Genetics
Classification: Pathogenic for Familial cancer of breast; Medulloblastoma; Familial prostate cancer; Wilms tumor 1; Fanconi anemia complementation group D1; Breast-ovarian cancer, familial, susceptibility to, 2; Glioma susceptibility 3; Pancreatic cancer, susceptibility to, 2. Last evaluated: 2024-05-02. Review status: criteria provided, single submitter. Criteria: ACMG Guidelines, 2015. Collection method: clinical testing. Allele origin: germline. Not counted in ClinVar's aggregate classification.

Ambry Genetics
Classification: Pathogenic for Hereditary cancer-predisposing syndrome. Last evaluated: 2024-02-12. Review status: criteria provided, single submitter. Criteria: Ambry Variant Classification Scheme 2023. Collection method: clinical testing. Allele origin: germline. Not counted in ClinVar's aggregate classification.
Comment: The c.4464_4465delCA pathgoenic mutation, located in coding exon 10 of the BRCA2 gene, results from a deletion of two nucleotides at nucleotide positions 4464 to 4465, causing a translational frameshift with a predicted alternate stop codon (p.H1488Qfs*25). This mutation was reported in a Japanese family undergoing BRCA1/2 testing (Arai M et al. J. Hum. Genet., 2018 Apr;63:447-457). This variant is considered to be rare based on population cohorts in the Genome Aggregation Database (gnomAD). In addition to the clinical data presented in the literature, this alteration is expected to result in loss of function by premature protein truncation or nonsense-mediated mRNA decay. As such, this alteration is interpreted as a disease-causing mutation.

Women's Health and Genetics/Laboratory Corporation of America, LabCorp
Classification: Pathogenic for Hereditary breast ovarian cancer syndrome. Last evaluated: 2023-07-03. Review status: criteria provided, single submitter. Criteria: LabCorp Variant Classification Summary - May 2015. Collection method: clinical testing. Allele origin: germline. Not counted in ClinVar's aggregate classification.
Comment: Variant summary: BRCA2 c.4464_4465delCA (p.His1488GlnfsX25) results in a premature termination codon, predicted to cause a truncation of the encoded protein or absence of the protein due to nonsense mediated decay, which are commonly known mechanisms for disease. The variant was absent in 250492 control chromosomes (gnomAD). c.4464_4465delCA has been reported in the literature in individuals affected with Hereditary Breast And Ovarian Cancer Syndrome (e.g. Norquist_2011, Arai_2018, Hata_2021). These data indicate that the variant may be associated with disease. To our knowledge, no experimental evidence demonstrating an impact on protein function has been reported. The following publications have been ascertained in the context of this evaluation (PMID: 29176636, 34755017, 21709188). Seven ClinVar submitters have assessed the variant since 2014: one submitter classified the variant as likely pathogenic, and six (including ENIGMA, an expert panel) classified the variant as pathogenic. Based on the evidence outlined above, the variant was classified as pathogenic.

Baylor Genetics
Classification: Pathogenic for Familial cancer of breast. Last evaluated: 2022-11-10. Review status: criteria provided, single submitter. Criteria: ACMG Guidelines, 2015. Collection method: clinical testing. Allele origin: unknown. Not counted in ClinVar's aggregate classification.

CeGaT Center for Human Genetics Tuebingen
Classification: Likely pathogenic. Last evaluated: 2017-01-01. Review status: criteria provided, single submitter. Criteria: CeGaT Center For Human Genetics Tuebingen Variant Classification Criteria Version 2. Collection method: clinical testing. Allele origin: germline. Affected: yes. Observed: 2 variant alleles. Not counted in ClinVar's aggregate classification.

ARUP Laboratories, Molecular Genetics and Genomics, ARUP Laboratories
Classification: Pathogenic. Last evaluated: 2016-10-12. Review status: criteria provided, single submitter. Criteria: ARUP Molecular Germline Variant Investigation Process. Collection method: clinical testing. Allele origin: germline. Not counted in ClinVar's aggregate classification.

Literature cited by the submitters: PubMed 20104584 (cited by Labcorp Genetics (formerly Invitae), Labcorp); PubMed 21709188 (cited by 4 submitters); PubMed 37310942 (cited by Quest Diagnostics Nichols Institute San Juan Capistrano); PubMed 34755017 (cited by Quest Diagnostics Nichols Institute San Juan Capistrano and Women's Health and Genetics/Laboratory Corporation of America, LabCorp); PubMed 32073954 (cited by Quest Diagnostics Nichols Institute San Juan Capistrano); PubMed 31214711 (cited by Quest Diagnostics Nichols Institute San Juan Capistrano); PubMed 29176636 (cited by 3 submitters).

NM_000059.4(BRCA2):c.4464_4465del (p.His1488fs)

Gene: BRCA2 (BRCA2 DNA repair associated; plus strand). Cytogenetic location: 13q13.1.
Variant type: Microsatellite.
Coding change: c.4464_4465del on transcript NM_000059.4 (MANE Select); coding-DNA positions 4464 to 4465, 2 bases deleted (CA; older notation c.4464_4465delCA).
Protein change: p.His1488fs; shifts the reading frame from histidine 1488.
Molecular consequence: frameshift variant.
Genome position (GRCh38, 1-based): chr13:32,338,819-32,338,820, CA deleted; deleting any 2 consecutive bases within chr13:32,338,816-32,338,820 gives the same sequence; the c. name uses the placement nearest the transcript's 3' end. VCF-style (leftmost placement, unchanged base first): chr13-32338815-AAC-A. GRCh37 (hg19) VCF-style: chr13-32912952-AAC-A.
Other names: c.4464_4465delCA (NM_000059.3); short protein forms H1488fs.
Identifiers: ClinVar variation 51651 (VCV000051651.67), dbSNP rs397507720, ClinGen allele CA020210.
Genomic context (GRCh38, chr13:32,338,815, plus strand): 5'-ATTCTGACATAAGAAAGAACAAAATGGACATTCTAAGTTATGAGGAAACAGACATAGTTA[AAC>A]ACAAAATACTGAAAGAAAGTGTCCCAGTTGGTACTGGAAATCAACTAGTGACCTTCCAGG-3'